The following is an entry in ClinVar:

ClinVar aggregate classification (germline): Benign/Likely benign. Review status: criteria provided, multiple submitters, no conflicts (2 of 4 stars). 5 submissions from 5 submitters: Benign (2); Likely benign (3). Last evaluated 2026-01-24.

Conditions:
Neuromuscular disease caused by qualitative or quantitative defects of dysferlin. Also called: Dysferlinopathy; Qualitative or quantitative defects of dysferlin. Identifiers: Orphanet 207073, MedGen C2931687, MONDO:0016145.

Allele frequency attached by ClinVar (database versions not stated): gnomAD exomes 0.00017 and 0.00031; ExAC 0.00081; ESP Exome Variant Server 0.00114; gnomAD 0.00160 and 0.00161; TOPMed 0.00163; 1000 Genomes Project 0.00399; 1000 Genomes Project 30x 0.00437.
gnomAD v4.1: 488 of 1,551,358 alleles (0.031%); highest among the groups gnomAD compares: African/African-American, 0.59%; 2 homozygotes.

Submissions (5):

Labcorp Genetics (formerly Invitae), Labcorp
Classification: Benign for Neuromuscular disease caused by qualitative or quantitative defects of dysferlin. Last evaluated: 2026-01-24. Review status: criteria provided, single submitter. Criteria: Invitae Variant Classification Sherloc (09022015). Collection method: clinical testing. Allele origin: germline.

Mayo Clinic Laboratories, Mayo Clinic
Classification: Likely benign. Last evaluated: 2025-11-02. Review status: criteria provided, single submitter. Criteria: ACMG Guidelines, 2015. Collection method: clinical testing. Allele origin: germline. Observed: 1 variant allele.
Comment: BS1, BP4, BP7

Blueprint Genetics
Classification: Likely benign. Last evaluated: 2024-10-22. Review status: criteria provided, single submitter. Criteria: ACMG Guidelines, 2015. Collection method: clinical testing. Allele origin: germline.

GeneDx
Classification: Likely benign. Last evaluated: 2017-03-06. Review status: criteria provided, single submitter. Criteria: GeneDx Variant Classification (06012015). Collection method: clinical testing. Allele origin: germline. Affected: yes.
Comment: This variant is considered likely benign or benign based on one or more of the following criteria: it is a conservative change, it occurs at a poorly conserved position in the protein, it is predicted to be benign by multiple in silico algorithms, and/or has population frequency not consistent with disease.

Eurofins Ntd Llc (ga)
Classification: Benign. Last evaluated: 2016-09-07. Review status: criteria provided, single submitter. Criteria: EGL Classification Definitions 2015. Collection method: clinical testing. Allele origin: germline. Observed: 3 variant alleles, 3 heterozygotes.

Literature cited by the submitters: PubMed 30564623 (cited by Mayo Clinic Laboratories, Mayo Clinic).

NM_001130987.2(DYSF):c.429C>T (p.Ser143=)

Gene: DYSF (dysferlin; plus strand). Cytogenetic location: 2p13.2.
Variant type: single nucleotide variant.
Coding change: c.429C>T on transcript NM_001130987.2 (MANE Select); coding-DNA position 429, C replaced by T.
Protein change: p.Ser143=; no amino-acid change (serine 143 retained).
Molecular consequence: synonymous variant.
Genome position (GRCh38, 1-based): chr2:71,511,890, C>T. VCF-style: chr2-71511890-C-T. GRCh37 (hg19) VCF-style: chr2-71739020-C-T.
Other names: p.Ser142=; c.429C>T, p.Ser143= (NM_001130455.2, NM_001130982.2, NM_001130983.2 and 3 more transcripts); c.426C>T, p.Ser142= (NM_001130976.2, NM_001130977.2, NM_001130978.2 and 4 more transcripts).
Identifiers: ClinVar variation 284837 (VCV000284837.17), dbSNP rs115390288, ClinGen allele CA1705348.